The following is an entry in ClinVar:

NM_032444.4(SLX4):c.1271C>T (p.Ala424Val)

Gene: SLX4 (SLX4 structure-specific endonuclease subunit; minus strand). Cytogenetic location: 16p13.3.
Variant type: single nucleotide variant.
Coding change: c.1271C>T on transcript NM_032444.4 (MANE Select); coding-DNA position 1271, C replaced by T.
Protein change: p.Ala424Val; replaces alanine 424 with valine.
Molecular consequence: missense variant.
Genome position (GRCh38, 1-based): chr16:3,597,892, G>A on the plus strand (C>T on the coding strand, the complement: SLX4 is on the minus strand). VCF-style: chr16-3597892-G-A. GRCh37 (hg19) VCF-style: chr16-3647893-G-A.
Other names: c.1271C>T (LRG_503t1); short protein forms A424V.
Identifiers: ClinVar variation 407905 (VCV000407905.12), dbSNP rs551823420, ClinGen allele CA7866571.
Genomic context (GRCh38, chr16:3,597,892, plus strand): 5'-TCCAGCCTGAGCGCTGGTACAGCCGCACCCGGCTCCATCTCCGACCGGGACAGAGCCATG[G>A]CCACCAGCAGGTCCTCGGACGGTGCCTCGTCCACCTTCCGCCTCTTCCGTGGCTCCTTCT-3'
Protein context (NP_115820.2, residues 414-434): DEAPSEDLLV[Ala424Val]MALSRSEMEP

ClinVar aggregate classification (germline): Uncertain significance. Review status: criteria provided, multiple submitters, no conflicts (2 of 4 stars). 4 submissions from 4 submitters: Uncertain significance (3). 1 of the submissions does not count toward it. Last evaluated 2025-12-24.

Conditions:
Fanconi anemia complementation group P. Also called: SLX4-Related Fanconi Anemia. Identifiers: Orphanet 84, MedGen C3469542, MONDO:0013499, OMIM 613951.
Fanconi anemia (FA). Also called: Fanconi's anemia. Identifiers: Orphanet 84, MedGen C0015625, MeSH D005199, MONDO:0019391.

Allele frequency attached by ClinVar (database versions not stated): gnomAD 0.00004 and 0.00005; gnomAD exomes 0.00009 and 0.00019; TOPMed 0.00009; 1000 Genomes Project 30x 0.00016; 1000 Genomes Project 0.00020; ExAC 0.00026.
gnomAD v4.1: 139 of 1,614,130 alleles (0.0086%); highest among the groups gnomAD compares: East Asian, 0.062%; no homozygotes.

Submissions (4):

Labcorp Genetics (formerly Invitae), Labcorp
Classification: Uncertain significance for Fanconi anemia. Last evaluated: 2025-12-24. Review status: criteria provided, single submitter. Criteria: Invitae Variant Classification Sherloc (09022015). Collection method: clinical testing. Allele origin: germline.
Comment: This sequence change replaces alanine, which is neutral and non-polar, with valine, which is neutral and non-polar, at codon 424 of the SLX4 protein (p.Ala424Val). This variant is present in population databases (rs551823420, gnomAD 0.2%). This missense change has been observed in individual(s) with clinical features of SLX4-related conditions (PMID: 22911665, 36627197). ClinVar contains an entry for this variant (Variation ID: 407905). An algorithm developed to predict the effect of missense changes on protein structure and function (PolyPhen-2) suggests that this variant is likely to be disruptive. In summary, the available evidence is currently insufficient to determine the role of this variant in disease. Therefore, it has been classified as a Variant of Uncertain Significance.

Blueprint Genetics
Classification: Uncertain significance. Last evaluated: 2024-09-10. Review status: criteria provided, single submitter. Criteria: ACMG Guidelines, 2015. Collection method: clinical testing. Allele origin: germline.

Fulgent Genetics
Classification: Uncertain significance for Fanconi anemia complementation group P. Last evaluated: 2018-10-31. Review status: criteria provided, single submitter. Criteria: ACMG Guidelines, 2015. Collection method: clinical testing. Allele origin: unknown.

Leiden Open Variation Database
Classification: Likely benign. Last evaluated: 2012-08-31. Review status: no assertion criteria provided. Collection method: curation. Allele origin: germline. Affected: yes. Not counted in ClinVar's aggregate classification.
Comment: Curator: Arleen D. Auerbach. Submitter to LOVD: Janine Bakker.

Literature cited by the submitters: PubMed 22911665 (cited by Labcorp Genetics (formerly Invitae), Labcorp and Leiden Open Variation Database); PubMed 36627197 (cited by Labcorp Genetics (formerly Invitae), Labcorp).